The following is an entry in ClinVar:

ClinVar aggregate classification (germline): Pathogenic/Likely pathogenic. Review status: criteria provided, multiple submitters, no conflicts (2 of 4 stars). 4 submissions from 4 submitters: Pathogenic (3); Likely pathogenic (1). Last evaluated 2025-03-24.

Conditions:
Hereditary cancer-predisposing syndrome. Also called: Neoplastic Syndromes, Hereditary; Hereditary Cancer Syndrome; Tumor predisposition; Hereditary neoplastic syndrome. Identifiers: Orphanet 140162, MedGen C0027672, MeSH D009386, MONDO:0015356.
Hereditary breast ovarian cancer syndrome. Also called: Hereditary breast and ovarian cancer syndrome; Hereditary breast and ovarian cancer; Hereditary breast and ovarian cancer syndrome (HBOC); Hereditary breast and/or ovarian cancer syndrome; Breast and ovarian cancer; BRCA1- and BRCA2-Associated Hereditary Breast and Ovarian Cancer. Identifiers: Orphanet 145, MedGen C0677776, MeSH D061325, MONDO:0003582. Disease mechanism: loss of function.
Breast-ovarian cancer, familial, susceptibility to, 2 (BROVCA2). Also called: BRCA2 Hereditary Breast and Ovarian Cancer. Identifiers: Orphanet 145, MedGen C2675520, MONDO:0012933, OMIM 612555. Disease mechanism: loss of function.

Submissions (4):

Ambry Genetics
Classification: Pathogenic for Hereditary cancer-predisposing syndrome. Last evaluated: 2025-03-24. Review status: criteria provided, single submitter. Criteria: Ambry Variant Classification Scheme 2023. Collection method: clinical testing. Allele origin: germline.
Comment: The c.4647delA variant, located in coding exon 10 of the BRCA2 gene, results from a deletion of one nucleotide at nucleotide position 4647, causing a translational frameshift with a predicted alternate stop codon (p.E1550Sfs*18). This variant is considered to be rare based on population cohorts in the Genome Aggregation Database (gnomAD). This alteration is expected to result in loss of function by premature protein truncation or nonsense-mediated mRNA decay. As such, this alteration is interpreted as a disease-causing mutation.

Labcorp Genetics (formerly Invitae), Labcorp
Classification: Pathogenic for Hereditary breast ovarian cancer syndrome. Last evaluated: 2024-07-15. Review status: criteria provided, single submitter. Criteria: Invitae Variant Classification Sherloc (09022015). Collection method: clinical testing. Allele origin: germline.
Comment: This sequence change creates a premature translational stop signal (p.Glu1550Serfs*18) in the BRCA2 gene. It is expected to result in an absent or disrupted protein product. Loss-of-function variants in BRCA2 are known to be pathogenic (PMID: 20104584). This variant is not present in population databases (gnomAD no frequency). This variant has not been reported in the literature in individuals affected with BRCA2-related conditions. ClinVar contains an entry for this variant (Variation ID: 801108). For these reasons, this variant has been classified as Pathogenic.

Myriad Genetics, Inc.
Classification: Pathogenic for Breast-ovarian cancer, familial, susceptibility to, 2. Last evaluated: 2023-02-13. Review status: criteria provided, single submitter. Criteria: Myriad Autosomal Dominant, Autosomal Recessive and X-Linked Classification Criteria (2023). Collection method: clinical testing. Allele origin: unknown.
Comment: This variant is considered pathogenic. This variant creates a frameshift predicted to result in premature protein truncation.

Quest Diagnostics Nichols Institute San Juan Capistrano
Classification: Likely pathogenic. Last evaluated: 2018-09-07. Review status: criteria provided, single submitter. Criteria: Quest Diagnostics criteria. Collection method: clinical testing. Allele origin: germline.
Comment: The variant results in a shift of the reading frame, and is therefore predicted to significantly disrupt the protein structure. Not found in the total gnomAD dataset, and the data is high quality (0/276806 chr).

Literature cited by the submitters: PubMed 20104584 (cited by Labcorp Genetics (formerly Invitae), Labcorp).

NM_000059.4(BRCA2):c.4647del (p.Glu1550fs)

Gene: BRCA2 (BRCA2 DNA repair associated; plus strand). Cytogenetic location: 13q13.1.
Variant type: Deletion.
Coding change: c.4647del on transcript NM_000059.4 (MANE Select); coding-DNA position 4647, one base deleted (A; older notation c.4647delA).
Protein change: p.Glu1550fs; shifts the reading frame from glutamic acid 1550.
Molecular consequence: frameshift variant.
Genome position (GRCh38, 1-based): chr13:32,339,002, A deleted; the last of 5 consecutive A bases (chr13:32,338,998-32,339,002); deleting any one gives the same sequence. VCF-style (leftmost placement, unchanged base first): chr13-32338997-GA-G. GRCh37 (hg19) VCF-style: chr13-32913134-GA-G.
Other names: c.4647delA (NM_000059.3); short protein forms E1550fs.
Identifiers: ClinVar variation 801108 (VCV000801108.6), dbSNP rs1593902999, ClinGen allele CA915948467.